The following is an entry in ClinVar:

NM_020937.4(FANCM):c.5596A>T (p.Arg1866Trp)

Gene: FANCM (FA complementation group M; plus strand). Cytogenetic location: 14q21.2.
Variant type: single nucleotide variant.
Coding change: c.5596A>T on transcript NM_020937.4 (MANE Select); coding-DNA position 5596, A replaced by T.
Protein change: p.Arg1866Trp; replaces arginine 1866 with tryptophan.
Molecular consequence: missense variant.
Genome position (GRCh38, 1-based): chr14:45,196,427, A>T. VCF-style: chr14-45196427-A-T. GRCh37 (hg19) VCF-style: chr14-45665630-A-T.
Other names: c.5518A>T, p.Arg1840Trp (NM_001308133.2); short protein forms R1840W, R1866W.
Identifiers: ClinVar variation 4680955 (VCV004680955.1).

ClinVar aggregate classification (germline): Uncertain significance (1 of 4 stars; one submission).

Submission:

GeneDx
Classification: Uncertain significance. Last evaluated: 2025-07-03. Review status: criteria provided, single submitter. Criteria: GeneDx Variant Classification Process June 2021. Collection method: clinical testing. Allele origin: germline. Affected: yes.
Comment: Not observed at significant frequency in large population cohorts (gnomAD); In silico analysis supports that this missense variant has a deleterious effect on protein structure/function; Has not been previously published as pathogenic or benign to our knowledge